The following is an entry in ClinVar:

NM_000384.3(APOB):c.8777A>G (p.Lys2926Arg)

Gene: APOB (apolipoprotein B; minus strand). Cytogenetic location: 2p24.1.
Variant type: single nucleotide variant.
Coding change: c.8777A>G on transcript NM_000384.3 (MANE Select); coding-DNA position 8777, A replaced by G.
Protein change: p.Lys2926Arg; replaces lysine 2926 with arginine.
Molecular consequence: missense variant.
Genome position (GRCh38, 1-based): chr2:21,008,091, T>C on the plus strand (A>G on the coding strand, the complement: APOB is on the minus strand). VCF-style: chr2-21008091-T-C. GRCh37 (hg19) VCF-style: chr2-21230963-T-C.
Other names: short protein forms K2926R.
Identifiers: ClinVar variation 3231467 (VCV003231467.1), dbSNP rs1663198755, ClinGen allele CA345993392.
Genomic context (GRCh38, chr2:21,008,091, plus strand): 5'-ATTTGTGATTCATGTGTTCCCTCATCTGAGAATCTGGGGCAGGCCCATTTCCATGACCCT[T>C]TTCCAGAAGAAGTCCATGCTATGTGGCCAGCTTTCAACAGTGTCTTGATCTCGTTGCGCA-3'
Protein context (NP_000375.3, residues 2916-2936): AGHIAWTSSG[Lys2926Arg]GSWKWACPRF

ClinVar aggregate classification (germline): Uncertain significance (1 of 4 stars; one submission).

Conditions:
Cardiovascular phenotype. Identifiers: MedGen CN230736.

Allele frequency attached by ClinVar (database versions not stated): TOPMed below 0.00001; gnomAD exomes 0.00001.
gnomAD v4.1: 8 of 1,614,082 alleles (0.0005%); highest among the groups gnomAD compares: Non-Finnish European, 0.00068%; no homozygotes.

Submission:

Ambry Genetics
Classification: Uncertain significance for Cardiovascular phenotype. Last evaluated: 2023-10-19. Review status: criteria provided, single submitter. Criteria: Ambry Variant Classification Scheme 2023. Collection method: clinical testing. Allele origin: germline.
Comment: The p.K2926R variant (also known as c.8777A>G), located in coding exon 26 of the APOB gene, results from an A to G substitution at nucleotide position 8777. The lysine at codon 2926 is replaced by arginine, an amino acid with highly similar properties. This amino acid position is conserved. In addition, this alteration is predicted to be tolerated by in silico analysis. Since supporting evidence is limited at this time, the clinical significance of this alteration remains unclear.